The following is an entry in ClinVar:

ClinVar aggregate classification (germline): Uncertain significance (1 of 4 stars; one submission).

Submission:

Labcorp Genetics (formerly Invitae), Labcorp
Classification: Uncertain significance. Last evaluated: 2025-08-17. Review status: criteria provided, single submitter. Criteria: Invitae Variant Classification Sherloc (09022015). Collection method: clinical testing. Allele origin: germline.
Comment: This sequence change replaces aspartic acid, which is acidic and polar, with valine, which is neutral and non-polar, at codon 23 of the SZT2 protein (p.Asp23Val). This variant is not present in population databases (gnomAD no frequency). This variant has not been reported in the literature in individuals affected with SZT2-related conditions. Invitae Evidence Modeling of protein sequence and biophysical properties (such as structural, functional, and spatial information, amino acid conservation, physicochemical variation, residue mobility, and thermodynamic stability) indicates that this missense variant is not expected to disrupt SZT2 protein function with a negative predictive value of 80%. In summary, the available evidence is currently insufficient to determine the role of this variant in disease. Therefore, it has been classified as a Variant of Uncertain Significance.

NM_001365999.1(SZT2):c.68A>T (p.Asp23Val)

Gene: SZT2 (SZT2 subunit of KICSTOR complex; plus strand). Cytogenetic location: 1p34.2.
Variant type: single nucleotide variant.
Coding change: c.68A>T on transcript NM_001365999.1 (MANE Select); coding-DNA position 68, A replaced by T.
Protein change: p.Asp23Val; replaces aspartic acid 23 with valine.
Molecular consequence: missense variant.
Genome position (GRCh38, 1-based): chr1:43,403,217, A>T. VCF-style: chr1-43403217-A-T. GRCh37 (hg19) VCF-style: chr1-43868888-A-T.
Other names: c.68A>T, p.Asp23Val (NM_015284.4); short protein forms D23V.
Identifiers: ClinVar variation 4765072 (VCV004765072.1).